The following is an entry in ClinVar:

NM_002691.4(POLD1):c.1271T>C (p.Val424Ala)

Gene: POLD1 (DNA polymerase delta 1, catalytic subunit; plus strand). Cytogenetic location: 19q13.33.
Variant type: single nucleotide variant.
Coding change: c.1271T>C on transcript NM_002691.4 (MANE Select); coding-DNA position 1271, T replaced by C.
Protein change: p.Val424Ala; replaces valine 424 with alanine.
Molecular consequence: missense variant. On other transcripts: non-coding transcript variant (1).
Genome position (GRCh38, 1-based): chr19:50,406,210, T>C. VCF-style: chr19-50406210-T-C. GRCh37 (hg19) VCF-style: chr19-50909467-T-C.
Other names: c.1271T>C, p.Val424Ala (NM_001256849.1, NM_001308632.1); short protein forms V424A.
Identifiers: ClinVar variation 3308302 (VCV003308302.1).
Genomic context (GRCh38, chr19:50,406,210, plus strand): 5'-AGCCTGCTGCACACCCTGCCTCTCCTCCTCAGGTACAAACATTCCCTTTCCTGGGCCGTG[T>C]GGCCGGCCTTTGCTCCAACATCCGGGACTCTTCATTCCAGTCCAAGCAGACGGGCCGGCG-3'
Protein context (NP_002682.2, residues 414-434): KVQTFPFLGR[Val424Ala]AGLCSNIRDS

ClinVar aggregate classification (germline): Uncertain significance (1 of 4 stars; one submission).

Conditions:
Hereditary cancer-predisposing syndrome. Also called: Tumor predisposition; Hereditary Cancer Syndrome; Hereditary neoplastic syndrome; Neoplastic Syndromes, Hereditary. Identifiers: Orphanet 140162, MedGen C0027672, MeSH D009386, MONDO:0015356.

Submission:

Ambry Genetics
Classification: Uncertain significance for Hereditary cancer-predisposing syndrome. Last evaluated: 2024-05-31. Review status: criteria provided, single submitter. Criteria: Ambry Variant Classification Scheme 2023. Collection method: clinical testing. Allele origin: germline.
Comment: The p.V424A variant (also known as c.1271T>C), located in coding exon 10 of the POLD1 gene, results from a T to C substitution at nucleotide position 1271. The valine at codon 424 is replaced by alanine, an amino acid with similar properties. This amino acid position is conserved. In addition, this alteration is predicted to be tolerated by in silico analysis. Based on the available evidence, the clinical significance of this variant remains unclear.